The following is an entry in ClinVar:

NM_001039591.3(USP9X):c.6085G>T (p.Gly2029Trp)

Gene: USP9X (ubiquitin specific peptidase 9 X-linked; plus strand). Cytogenetic location: Xp11.4.
Variant type: single nucleotide variant.
Coding change: c.6085G>T on transcript NM_001039591.3 (MANE Select); coding-DNA position 6085, G replaced by T.
Protein change: p.Gly2029Trp; replaces glycine 2029 with tryptophan.
Molecular consequence: missense variant.
Genome position (GRCh38, 1-based): chrX:41,216,652, G>T. VCF-style: chrX-41216652-G-T. GRCh37 (hg19) VCF-style: chrX-41075905-G-T.
Other names: c.6085G>T, p.Gly2029Trp (NM_001039590.3); c.6100G>T, p.Gly2034Trp (NM_001410748.1, NM_001410749.1); short protein forms G2029W, G2034W.
Identifiers: ClinVar variation 3897091 (VCV003897091.1).
Genomic context (GRCh38, chrX:41,216,652, plus strand): 5'-TATTTTCAGTTTATGAAAAAACTGCTTACATGTAATGGCGTTTACTTAAACCCTCCTCCC[G>T]GTGAGTATCAAGAGAGTTTAGCTTCTTAGTAATAAAGAATAATTTATAGTAGGCGTCAAC-3'
Protein context (NP_001034680.2, residues 2019-2039): CNGVYLNPPP[Gly2029Trp]QDHLLPEAEE

ClinVar aggregate classification (germline): Uncertain significance (1 of 4 stars; one submission).

Submission:

GeneDx
Classification: Uncertain significance. Last evaluated: 2024-11-01. Review status: criteria provided, single submitter. Criteria: GeneDx Variant Classification Process June 2021. Collection method: clinical testing. Allele origin: germline. Affected: yes.
Comment: Not observed at significant frequency in large population cohorts (gnomAD); In silico analysis indicates that this missense variant does not alter protein structure/function; Has not been previously published as pathogenic or benign to our knowledge